The following is an entry in ClinVar:

NM_006567.5(FARS2):c.340G>A (p.Asp114Asn)

Genes: FARS2 (phenylalanyl-tRNA synthetase 2, mitochondrial; plus strand), LOC126859565 (CDK7 strongly-dependent group 2 enhancer GRCh37_chr6:5368745-5369944; plus strand). Cytogenetic location: 6p25.1.
Variant type: single nucleotide variant.
Coding change: c.340G>A on transcript NM_006567.5 (MANE Select); coding-DNA position 340, G replaced by A.
Protein change: p.Asp114Asn; replaces aspartic acid 114 with asparagine.
Molecular consequence: missense variant. On other transcripts: intron variant (2).
Genome position (GRCh38, 1-based): chr6:5,368,910, G>A. VCF-style: chr6-5368910-G-A. GRCh37 (hg19) VCF-style: chr6-5369143-G-A.
Other names: c.340G>A, p.Asp114Asn (NM_001318872.2, NM_001374875.1, NM_001374876.1 and 5 more transcripts); c.-340-27723G>A (NM_001375260.1); c.-84-35632G>A (NM_001375259.1); short protein forms D114N.
Identifiers: ClinVar variation 3675268 (VCV003675268.2).

ClinVar aggregate classification (germline): Uncertain significance (1 of 4 stars; one submission).

Conditions:
Combined oxidative phosphorylation defect type 14. Also called: Combined oxidative phosphorylation deficiency 14. Identifiers: Orphanet 319519, MedGen C4755312, MONDO:0013986, OMIM 614946.

gnomAD v4.1: 8 of 1,614,122 alleles (0.0005%); highest among the groups gnomAD compares: Middle Eastern, 0.016%; no homozygotes.

Submission:

Labcorp Genetics (formerly Invitae), Labcorp
Classification: Uncertain significance for Combined oxidative phosphorylation defect type 14. Last evaluated: 2024-07-31. Review status: criteria provided, single submitter. Criteria: Invitae Variant Classification Sherloc (09022015). Collection method: clinical testing. Allele origin: germline.
Comment: This sequence change replaces aspartic acid, which is acidic and polar, with asparagine, which is neutral and polar, at codon 114 of the FARS2 protein (p.Asp114Asn). This variant is present in population databases (no rsID available, gnomAD 0.003%). This variant has not been reported in the literature in individuals affected with FARS2-related conditions. Advanced modeling of protein sequence and biophysical properties (such as structural, functional, and spatial information, amino acid conservation, physicochemical variation, residue mobility, and thermodynamic stability) has been performed at Invitae for this missense variant, however the output from this modeling did not meet the statistical confidence thresholds required to predict the impact of this variant on FARS2 protein function. In summary, the available evidence is currently insufficient to determine the role of this variant in disease. Therefore, it has been classified as a Variant of Uncertain Significance.